The following is an entry in ClinVar:

ClinVar aggregate classification (germline): Pathogenic (3 of 4 stars; one submission).
ClinVar aggregate classification (oncogenicity): Likely oncogenic (1 of 4 stars; one submission).

Conditions:
Hereditary thrombocytopenia and hematologic cancer predisposition syndrome. Identifiers: Orphanet 71290, MedGen CN281654, MONDO:0011071.
Neoplasm. Also called: Neoplasms; Neoplasm (disease); tumor. Identifiers: MedGen C0027651, MeSH D009369, MONDO:0005070, HP:0002664.

Submissions (2):

ClinGen Myeloid Malignancy Variant Curation Expert Panel
Classification: Pathogenic for Hereditary thrombocytopenia and hematologic cancer predisposition syndrome. Last evaluated: 2025-02-25. Review status: reviewed by expert panel. Criteria: ClinGen MyeloMalig ACMG Specifications v2. Collection method: curation. Allele origin: germline. Inheritance: Autosomal dominant inheritance.
Comment: NM_001754.5(RUNX1):c.553C>T (p.Gln185Ter) is a variant predicted to undergo nonsense mediated decay in a gene in which loss-of-function is an established mechanism (nonsense c.98-c.916 as per VCEP specifications, exon 6/9) (PVS1). This variant is a nonsense variant before c.98 (PM5_supporting). This variant is completely absent from all population databases with at least 20x coverage for RUNX1 (PM2_Supporting). In summary, insufficient evidence suggests the clinical significance of this variant is uncertain. ACMG/AMP criteria applied, as specified by the Myeloid Malignancy Variant Curation Expert Panel for RUNX1: PVS1, PM2_Supporting, PM5_supporting.

Center for Genomic Medicine, Rigshospitalet, Copenhagen University Hospital
Classification: Likely oncogenic for Neoplasm. Last evaluated: 2025-03-04. Review status: criteria provided, single submitter. Criteria: ClinGen/CGC/VICC Guidelines for Oncogenicity, 2022. Collection method: clinical testing. Allele origin: somatic. Affected: yes.

Literature cited by the submitters: PubMed 23817177 (cited by Center for Genomic Medicine, Rigshospitalet, Copenhagen University Hospital).

NM_001754.5(RUNX1):c.553C>T (p.Gln185Ter)

Genes: RUNX1 (RUNX family transcription factor 1; minus strand), RUNX1-AS1 (RUNX1 antisense RNA 1; plus strand). Cytogenetic location: 21q22.12.
Variant type: single nucleotide variant.
Coding change: c.553C>T on transcript NM_001754.5 (MANE Select); coding-DNA position 553, C replaced by T.
Protein change: p.Gln185Ter; replaces glutamine 185 with a stop codon.
Molecular consequence: nonsense.
Genome position (GRCh38, 1-based): chr21:34,859,534, G>A on the plus strand (C>T on the coding strand, the complement: RUNX1 is on the minus strand). VCF-style: chr21-34859534-G-A. GRCh37 (hg19) VCF-style: chr21-36231831-G-A.
Other names: NM_001754.5(RUNX1):c.553C>T; p.Gln185Ter; c.472C>T, p.Gln158Ter (NM_001001890.3, NM_001122607.2); short protein forms Q185*, Q158*.
Identifiers: ClinVar variation 3257846 (VCV003257846.3).
Genomic context (GRCh38, chr21:34,859,534, plus strand): 5'-TTCGAGGTTCTCGGGGCCCATCCACTGTGATTTTGATGGCTCTGTGGTAGGTGGCGACTT[G>A]CGGTGGGTTTGTGAAGACAGTGATGGTCAGAGTGAAGCTTTTCCCTGTGGGGACACGATA-3'